The following is an entry in ClinVar:

NM_178857.6(RP1L1):c.124G>C (p.Gly42Arg)

Gene: RP1L1 (RP1 like 1). Cytogenetic location: 8p23.1.
Variant type: single nucleotide variant.
Coding change: c.124G>C on transcript NM_178857.6 (MANE Select); coding-DNA position 124, G replaced by C.
Protein change: p.Gly42Arg; replaces glycine 42 with arginine.
Molecular consequence: missense variant.
Genome position (GRCh38, 1-based): chr8:10,623,078, C>G on the plus strand (G>C on the coding strand, the complement: RP1L1 is on the minus strand). VCF-style: chr8-10623078-C-G. GRCh37 (hg19) VCF-style: chr8-10480588-C-G.
Other names: short protein forms G42R.
Identifiers: ClinVar variation 4694189 (VCV004694189.1).

ClinVar aggregate classification (germline): Uncertain significance (1 of 4 stars; one submission).

gnomAD v4.1: 9 of 1,614,050 alleles (0.00056%); highest among the groups gnomAD compares: Non-Finnish European, 0.00076%; no homozygotes.

Submission:

Labcorp Genetics (formerly Invitae), Labcorp
Classification: Uncertain significance. Last evaluated: 2026-01-26. Review status: criteria provided, single submitter. Criteria: Invitae Variant Classification Sherloc (09022015). Collection method: clinical testing. Allele origin: germline.
Comment: This sequence change replaces glycine, which is neutral and non-polar, with arginine, which is basic and polar, at codon 42 of the RP1L1 protein (p.Gly42Arg). This variant is not present in population databases (gnomAD no frequency). This variant has not been reported in the literature in individuals affected with RP1L1-related conditions. Invitae Evidence Modeling of protein sequence and biophysical properties (such as structural, functional, and spatial information, amino acid conservation, physicochemical variation, residue mobility, and thermodynamic stability) has been performed for this missense variant. However, the output from this modeling did not meet the statistical confidence thresholds required to predict the impact of this variant on RP1L1 protein function. In summary, the available evidence is currently insufficient to determine the role of this variant in disease. Therefore, it has been classified as a Variant of Uncertain Significance.